The following is an entry in ClinVar:

NM_000444.6(PHEX):c.467T>G (p.Leu156Arg)

Gene: PHEX (phosphate regulating endopeptidase X-linked; plus strand). Cytogenetic location: Xp22.11.
Variant type: single nucleotide variant.
Coding change: c.467T>G on transcript NM_000444.6 (MANE Select); coding-DNA position 467, T replaced by G.
Protein change: p.Leu156Arg; replaces leucine 156 with arginine.
Molecular consequence: missense variant.
Genome position (GRCh38, 1-based): chrX:22,077,506, T>G. VCF-style: chrX-22077506-T-G. GRCh37 (hg19) VCF-style: chrX-22095624-T-G.
Other names: c.467T>G, p.Leu156Arg (NM_001282754.2); short protein forms L156R.
Identifiers: ClinVar variation 2017580 (VCV002017580.4), dbSNP rs1556020752, ClinGen allele CA412571293.
Genomic context (GRCh38, chrX:22,077,506, plus strand): 5'-AACTTTCTCTTCATATCTGCTCCCTTTCAGAAGCGATTGAAAAAGCAGATGCCAAGCCAC[T>G]GCTACACATCCTACGGCATTCACCTTTCCGCTGGCCCGTGCTTGAATCTAATATTGGCCC-3'
Protein context (NP_000435.3, residues 146-166): KAIEKADAKP[Leu156Arg]LHILRHSPFR

ClinVar aggregate classification (germline): Likely pathogenic (1 of 4 stars; one submission).

Submission:

Labcorp Genetics (formerly Invitae), Labcorp
Classification: Likely pathogenic. Last evaluated: 2022-07-15. Review status: criteria provided, single submitter. Criteria: Invitae Variant Classification Sherloc (09022015). Collection method: clinical testing. Allele origin: germline.
Comment: In summary, the currently available evidence indicates that the variant is pathogenic, but additional data are needed to prove that conclusively. Therefore, this variant has been classified as Likely Pathogenic. Advanced modeling of protein sequence and biophysical properties (such as structural, functional, and spatial information, amino acid conservation, physicochemical variation, residue mobility, and thermodynamic stability) performed at Invitae indicates that this missense variant is expected to disrupt PHEX protein function. This missense change has been observed in individual(s) with X-linked hypophosphatemia (Invitae). This variant is not present in population databases (gnomAD no frequency). This sequence change replaces leucine, which is neutral and non-polar, with arginine, which is basic and polar, at codon 156 of the PHEX protein (p.Leu156Arg).